The following is an entry in ClinVar:

ClinVar aggregate classification (germline): Uncertain significance (1 of 4 stars; one submission).

Allele frequency attached by ClinVar (database versions not stated): ExAC 0.00001.
gnomAD v4.1: 3 of 1,614,042 alleles (0.00019%); highest among the groups gnomAD compares: Admixed American, 0.005%; no homozygotes.

Submission:

Labcorp Genetics (formerly Invitae), Labcorp
Classification: Uncertain significance. Last evaluated: 2023-08-10. Review status: criteria provided, single submitter. Criteria: Invitae Variant Classification Sherloc (09022015). Collection method: clinical testing. Allele origin: germline.
Comment: In summary, the available evidence is currently insufficient to determine the role of this variant in disease. Therefore, it has been classified as a Variant of Uncertain Significance. An algorithm developed to predict the effect of missense changes on protein structure and function (PolyPhen-2) suggests that this variant is likely to be disruptive. ClinVar contains an entry for this variant (Variation ID: 1920451). This variant has not been reported in the literature in individuals affected with TMEM107-related conditions. This variant is present in population databases (rs756257026, gnomAD 0.003%). This sequence change replaces phenylalanine, which is neutral and non-polar, with leucine, which is neutral and non-polar, at codon 12 of the TMEM107 protein (p.Phe12Leu).

NM_183065.4(TMEM107):c.36C>A (p.Phe12Leu)

Genes: TMEM107 (transmembrane protein 107; minus strand), LOC105371520 (uncharacterized LOC105371520; plus strand). Cytogenetic location: 17p13.1.
Variant type: single nucleotide variant.
Coding change: c.36C>A on transcript NM_183065.4 (MANE Select); coding-DNA position 36, C replaced by A.
Protein change: p.Phe12Leu; replaces phenylalanine 12 with leucine.
Molecular consequence: missense variant. On other transcripts: non-coding transcript variant (1).
Genome position (GRCh38, 1-based): chr17:8,176,251, G>T on the plus strand (C>A on the coding strand, the complement: TMEM107 is on the minus strand). VCF-style: chr17-8176251-G-T. GRCh37 (hg19) VCF-style: chr17-8079569-G-T.
Other names: c.36C>A, p.Phe12Leu (NM_001351278.2, NM_001351279.2, NM_001351280.2 and 1 more transcripts); short protein forms F12L.
Identifiers: ClinVar variation 1920451 (VCV001920451.4), dbSNP rs756257026, ClinGen allele CA8371100.